The following is an entry in ClinVar:

ClinVar aggregate classification (germline): Uncertain significance (1 of 4 stars; one submission).

Conditions:
Inborn genetic diseases. Identifiers: MedGen C0950123, MeSH D030342.

Submission:

Ambry Genetics
Classification: Uncertain significance for Inborn genetic diseases. Last evaluated: 2026-01-29. Review status: criteria provided, single submitter. Criteria: Ambry Variant Classification Scheme 2023. Collection method: clinical testing. Allele origin: germline.
Comment: The c.474+1G>A intronic variant consists of a G to A substitution one nucleotide after exon 3 (coding exon 3) of the KDM3B gene. Variants that disrupt the canonical splice site are expected to result in aberrant splicing. The resulting transcript is predicted to be in-frame and is not expected to trigger nonsense-mediated mRNA decay, although direct evidence is unavailable. This variant was not reported in population-based cohorts in the Genome Aggregation Database (gnomAD). This nucleotide position is highly conserved in available vertebrate species. In silico splice site analysis predicts that this alteration will weaken the native splice donor site. Based on insufficient or conflicting evidence, the clinical significance of this alteration remains unclear.

NM_016604.4(KDM3B):c.474+1G>A

Gene: KDM3B (lysine demethylase 3B; plus strand). Cytogenetic location: 5q31.2.
Variant type: single nucleotide variant.
Coding change: c.474+1G>A on transcript NM_016604.4 (MANE Select); the canonical splice donor site of the intron after coding-DNA position 474, G replaced by A.
Molecular consequence: splice donor variant.
Genome position (GRCh38, 1-based): chr5:138,375,207, G>A. VCF-style: chr5-138375207-G-A. GRCh37 (hg19) VCF-style: chr5-137710896-G-A.
Identifiers: ClinVar variation 4839305 (VCV004839305.1).